The following is an entry in ClinVar:

ClinVar aggregate classification (germline): Uncertain significance (1 of 4 stars; one submission).

Submission:

Ambry Genetics
Classification: Uncertain significance. Last evaluated: 2024-07-28. Review status: criteria provided, single submitter. Criteria: Ambry Variant Classification Scheme 2023. Collection method: clinical testing. Allele origin: germline.
Comment: The p.A185T variant (also known as c.553G>A), located in coding exon 5 of the KIF1B gene, results from a G to A substitution at nucleotide position 553. The alanine at codon 185 is replaced by threonine, an amino acid with similar properties. This amino acid position is conserved. In addition, the in silico prediction for this alteration is inconclusive. Based on the available evidence, the clinical significance of this variant remains unclear.

NM_001365951.3(KIF1B):c.553G>A (p.Ala185Thr)

Gene: KIF1B (kinesin family member 1B; plus strand). Cytogenetic location: 1p36.22.
Variant type: single nucleotide variant.
Coding change: c.553G>A on transcript NM_001365951.3 (MANE Select); coding-DNA position 553, G replaced by A.
Protein change: p.Ala185Thr; replaces alanine 185 with threonine.
Molecular consequence: missense variant.
Genome position (GRCh38, 1-based): chr1:10,267,503, G>A. VCF-style: chr1-10267503-G-A. GRCh37 (hg19) VCF-style: chr1-10327561-G-A.
Other names: c.553G>A, p.Ala185Thr (NM_001365952.1, NM_001365953.1, NM_015074.3 and 1 more transcripts); short protein forms A185T.
Identifiers: ClinVar variation 3533955 (VCV003533955.1).